The following is an entry in ClinVar:

NM_014324.6(AMACR):c.603G>A (p.Leu201=)

Genes: AMACR (alpha-methylacyl-CoA racemase; minus strand), C1QTNF3-AMACR (C1QTNF3-AMACR readthrough (NMD candidate); minus strand). Cytogenetic location: 5p13.2.
Variant type: single nucleotide variant.
Coding change: c.603G>A on transcript NM_014324.6 (MANE Select); coding-DNA position 603, G replaced by A.
Protein change: p.Leu201=; no amino-acid change (leucine 201 retained).
Molecular consequence: synonymous variant. On other transcripts: non-coding transcript variant (1), missense variant (1).
Genome position (GRCh38, 1-based): chr5:33,998,777, C>T on the plus strand (G>A on the coding strand, the complement: AMACR is on the minus strand). VCF-style: chr5-33998777-C-T. GRCh37 (hg19) VCF-style: chr5-33998882-C-T.
Other names: c.603G>A, p.Leu201= (NM_001167595.2); c.442G>A, p.Glu148Lys (NM_203382.3); c.442G>A (NM_203382.2); short protein forms E148K.
Identifiers: ClinVar variation 809742 (VCV000809742.44), dbSNP rs200253417, ClinGen allele CA3226157.

ClinVar aggregate classification (germline): Conflicting classifications of pathogenicity. Review status: criteria provided, conflicting classifications (1 of 4 stars). 3 submissions from 3 submitters: Uncertain significance (1); Likely benign (1). 1 of the submissions does not count toward it. Last evaluated 2024-11-11.

Conditions:
AMACR-related disorder. Also called: AMACR-related condition; AMACR-Related Disorders.

Allele frequency attached by ClinVar (database versions not stated): TOPMed 0.00008; ESP Exome Variant Server 0.00031; gnomAD exomes 0.00031 and 0.00072; gnomAD 0.00039 and 0.00040; ExAC 0.00086.
gnomAD v4.1: 534 of 1,614,050 alleles (0.033%); highest among the groups gnomAD compares: Non-Finnish European, 0.014%; 4 homozygotes.

Submissions (3):

Blueprint Genetics
Classification: Likely benign. Last evaluated: 2024-11-11. Review status: criteria provided, single submitter. Criteria: ACMG Guidelines, 2015. Collection method: clinical testing. Allele origin: germline.

CeGaT Center for Human Genetics Tuebingen
Classification: Uncertain significance. Last evaluated: 2016-05-01. Review status: criteria provided, single submitter. Criteria: CeGaT Center For Human Genetics Tuebingen Variant Classification Criteria Version 2. Collection method: clinical testing. Allele origin: germline. Affected: yes. Observed: 1 variant allele.

PreventionGenetics, part of Exact Sciences
Classification: Likely benign for AMACR-related condition. Last evaluated: 2021-03-22. Review status: no assertion criteria provided. Collection method: clinical testing. Allele origin: germline. Not counted in ClinVar's aggregate classification.
Comment: This variant is classified as likely benign based on ACMG/AMP sequence variant interpretation guidelines (Richards et al. 2015 PMID: 25741868, with internal and published modifications).